The following is an entry in ClinVar:

NM_198994.3(TGM6):c.84T>C (p.Pro28=)

Gene: TGM6 (transglutaminase 6; plus strand). Cytogenetic location: 20p13.
Variant type: single nucleotide variant.
Coding change: c.84T>C on transcript NM_198994.3 (MANE Select); coding-DNA position 84, T replaced by C.
Protein change: p.Pro28=; no amino-acid change (proline 28 retained).
Molecular consequence: synonymous variant.
Genome position (GRCh38, 1-based): chr20:2,394,528, T>C. VCF-style: chr20-2394528-T-C. GRCh37 (hg19) VCF-style: chr20-2375174-T-C.
Other names: c.84T>C, p.Pro28= (NM_001254734.2).
Identifiers: ClinVar variation 3390179 (VCV003390179.14).

ClinVar aggregate classification (germline): Likely benign (1 of 4 stars; one submission).

Submission:

CeGaT Center for Human Genetics Tuebingen
Classification: Likely benign. Last evaluated: 2024-11-01. Review status: criteria provided, single submitter. Criteria: CeGaT Center For Human Genetics Tuebingen Variant Classification Criteria Version 2. Collection method: clinical testing. Allele origin: germline. Affected: yes. Observed: 1 variant allele.
Comment: TGM6: PM2:Supporting, BP4, BP7